The following is an entry in ClinVar:

NM_198253.3(TERT):c.308T>G (p.Leu103Arg)

Gene: TERT (telomerase reverse transcriptase; minus strand). Cytogenetic location: 5p15.33.
Variant type: single nucleotide variant.
Coding change: c.308T>G on transcript NM_198253.3 (MANE Select); coding-DNA position 308, T replaced by G.
Protein change: p.Leu103Arg; replaces leucine 103 with arginine.
Molecular consequence: missense variant. On other transcripts: non-coding transcript variant (2).
Genome position (GRCh38, 1-based): chr5:1,294,578, A>C on the plus strand (T>G on the coding strand, the complement: TERT is on the minus strand). VCF-style: chr5-1294578-A-C. GRCh37 (hg19) VCF-style: chr5-1294693-A-C.
Other names: c.308T>G, p.Leu103Arg (NM_001193376.3, NM_003219.1); short protein forms L103R.
Identifiers: ClinVar variation 3238593 (VCV003238593.1), dbSNP rs1751266351.

ClinVar aggregate classification (germline): Uncertain significance (1 of 4 stars; one submission).

Conditions:
Dyskeratosis congenita. Identifiers: Orphanet 1775, MedGen C0265965, MONDO:0015780.

Allele frequency attached by ClinVar (database versions not stated): TOPMed below 0.00001.

Submission:

Ambry Genetics
Classification: Uncertain significance for Dyskeratosis congenita. Last evaluated: 2023-12-02. Review status: criteria provided, single submitter. Criteria: Ambry Variant Classification Scheme 2023. Collection method: clinical testing. Allele origin: germline.
Comment: The p.L103R variant (also known as c.308T>G), located in coding exon 2 of the TERT gene, results from a T to G substitution at nucleotide position 308. The leucine at codon 103 is replaced by arginine, an amino acid with dissimilar properties. This amino acid position is conserved. In addition, this alteration is predicted to be deleterious by in silico analysis. Since supporting evidence is limited at this time, the clinical significance of this alteration remains unclear.